The following is an entry in ClinVar:

NM_001457.4(FLNB):c.3457C>T (p.Leu1153Phe)

Gene: FLNB (filamin B; plus strand). Cytogenetic location: 3p14.3.
Variant type: single nucleotide variant.
Coding change: c.3457C>T on transcript NM_001457.4 (MANE Select); coding-DNA position 3457, C replaced by T.
Protein change: p.Leu1153Phe; replaces leucine 1153 with phenylalanine.
Molecular consequence: missense variant.
Genome position (GRCh38, 1-based): chr3:58,123,423, C>T. VCF-style: chr3-58123423-C-T. GRCh37 (hg19) VCF-style: chr3-58109150-C-T.
Other names: c.3457C>T, p.Leu1153Phe (NM_001164317.2, NM_001164318.2, NM_001164319.2); short protein forms L1153F.
Identifiers: ClinVar variation 2187101 (VCV002187101.4), dbSNP rs372188054, ClinGen allele CA2468415.

ClinVar aggregate classification (germline): Uncertain significance (1 of 4 stars; one submission).

Allele frequency attached by ClinVar (database versions not stated): ExAC 0.00001; gnomAD 0.00001; TOPMed 0.00001; gnomAD exomes 0.00006; ESP Exome Variant Server 0.00008.
gnomAD v4.1: 86 of 1,613,826 alleles (0.0053%); highest among the groups gnomAD compares: Non-Finnish European, 0.0069%; no homozygotes.

Submission:

Labcorp Genetics (formerly Invitae), Labcorp
Classification: Uncertain significance. Last evaluated: 2024-07-01. Review status: criteria provided, single submitter. Criteria: Invitae Variant Classification Sherloc (09022015). Collection method: clinical testing. Allele origin: germline.
Comment: This sequence change replaces leucine, which is neutral and non-polar, with phenylalanine, which is neutral and non-polar, at codon 1153 of the FLNB protein (p.Leu1153Phe). This variant is present in population databases (rs372188054, gnomAD 0.0009%). This variant has not been reported in the literature in individuals affected with FLNB-related conditions. ClinVar contains an entry for this variant (Variation ID: 2187101). Advanced modeling of protein sequence and biophysical properties (such as structural, functional, and spatial information, amino acid conservation, physicochemical variation, residue mobility, and thermodynamic stability) performed at Invitae indicates that this missense variant is not expected to disrupt FLNB protein function with a negative predictive value of 95%. In summary, the available evidence is currently insufficient to determine the role of this variant in disease. Therefore, it has been classified as a Variant of Uncertain Significance.